The following is an entry in ClinVar:

NM_004656.4(BAP1):c.1729+1G>A

Gene: BAP1 (BRCA1 associated deubiquitinase 1; minus strand). Cytogenetic location: 3p21.1.
Variant type: single nucleotide variant.
Coding change: c.1729+1G>A on transcript NM_004656.4 (MANE Select); the canonical splice donor site of the intron after coding-DNA position 1729, G replaced by A.
Molecular consequence: splice donor variant.
Genome position (GRCh38, 1-based): chr3:52,403,415, C>T on the plus strand (G>A on the coding strand, the complement: BAP1 is on the minus strand). VCF-style: chr3-52403415-C-T. GRCh37 (hg19) VCF-style: chr3-52437431-C-T.
Other names: c.1675+1G>A (NM_001410772.1).
Identifiers: ClinVar variation 654973 (VCV000654973.8), dbSNP rs1578220161, ClinGen allele CA353099480.
Genomic context (GRCh38, chr3:52,403,415, plus strand): 5'-GGCCACTTCCCTCCTCCCTCCTGGGTGCACCAAGTGGCCAGTGAGCCAGTCCAAGGCCCA[C>T]CTGTCAGCGCCAGGGGACTCAGCACCCCATCCTCAGCCAGGTGCAGCAGGCCTGTGCTGA-3'

ClinVar aggregate classification (germline): Pathogenic. Review status: criteria provided, multiple submitters, no conflicts (2 of 4 stars). 2 submissions from 2 submitters: Pathogenic (2). Last evaluated 2023-11-21.

Conditions:
Hereditary cancer-predisposing syndrome. Also called: Hereditary neoplastic syndrome; Tumor predisposition; Neoplastic Syndromes, Hereditary; Hereditary Cancer Syndrome. Identifiers: Orphanet 140162, MedGen C0027672, MeSH D009386, MONDO:0015356.
BAP1-related tumor predisposition syndrome (TPDS1). Also called: BAP1 tumor predisposition syndrome; Tumor susceptibility linked to germline BAP1 mutations; COMMON Syndrome; TUMOR PREDISPOSITION SYNDROME 1. Identifiers: Orphanet 289539, MedGen C3280492, MONDO:0013692, OMIM 614327.

Submissions (2):

Labcorp Genetics (formerly Invitae), Labcorp
Classification: Pathogenic for BAP1-related tumor predisposition syndrome. Last evaluated: 2023-11-21. Review status: criteria provided, single submitter. Criteria: Invitae Variant Classification Sherloc (09022015). Collection method: clinical testing. Allele origin: germline.
Comment: This sequence change affects a donor splice site in intron 13 of the BAP1 gene. It is expected to disrupt RNA splicing. Variants that disrupt the donor or acceptor splice site typically lead to a loss of protein function (PMID: 16199547), and loss-of-function variants in BAP1 are known to be pathogenic (PMID: 21874000, 23684012). This variant is not present in population databases (gnomAD no frequency). Disruption of this splice site has been observed in individual(s) with malignant mesothelioma (PMID: 26719535). ClinVar contains an entry for this variant (Variation ID: 654973). Studies have shown that disruption of this splice site alters mRNA splicing and is expected to lead to the loss of protein expression (PMID: 26719535). For these reasons, this variant has been classified as Pathogenic.

Ambry Genetics
Classification: Pathogenic for Hereditary cancer-predisposing syndrome. Last evaluated: 2023-09-27. Review status: criteria provided, single submitter. Criteria: Ambry Variant Classification Scheme 2023. Collection method: clinical testing. Allele origin: germline.
Comment: The c.1729+1G>A intronic pathogenic mutation results from a G to A substitution one nucleotide after coding exon 13 of the BAP1 gene. This alteration has been observed in individuals with a personal and/or family history that is consistent with BAP1-related disease (Ambry internal data; Ohar JA et al. Cancer Res., 2016 Jan;76:206-15). This nucleotide position is highly conserved in available vertebrate species. In silico splice site analysis predicts that this alteration will weaken the native splice donor site. RNA studies have demonstrated this alteration to result in the removal of coding exon 13 (Ambry internal data; Ohar JA et al. Cancer Res., 2016 Jan;76:206-15). This variant is considered to be rare based on population cohorts in the Genome Aggregation Database (gnomAD). Based on the supporting evidence, this alteration is interpreted as a disease-causing mutation.

Literature cited by the submitters: PubMed 16199547 (cited by Labcorp Genetics (formerly Invitae), Labcorp); PubMed 21874000 (cited by Labcorp Genetics (formerly Invitae), Labcorp); PubMed 23684012 (cited by Labcorp Genetics (formerly Invitae), Labcorp); PubMed 26719535 (cited by Labcorp Genetics (formerly Invitae), Labcorp and Ambry Genetics).